The following is an entry in ClinVar:

NM_000535.7(PMS2):c.2276-10A>G

Gene: PMS2 (PMS1 homolog 2, mismatch repair system component; minus strand). Cytogenetic location: 7p22.1.
Variant type: single nucleotide variant.
Coding change: c.2276-10A>G on transcript NM_000535.7 (MANE Select); 10 bases into the intron before coding-DNA position 2276, A replaced by G.
Molecular consequence: intron variant. On other transcripts: missense variant (2).
Genome position (GRCh38, 1-based): chr7:5,977,767, T>C on the plus strand (A>G on the coding strand, the complement: PMS2 is on the minus strand). VCF-style: chr7-5977767-T-C. GRCh37 (hg19) VCF-style: chr7-6017398-T-C.
Other names: c.1894A>G, p.Ile632Val (NM_001322009.2); c.2299A>G, p.Ile767Val (NM_001322014.2); c.1958-10A>G (NM_001322008.2, NM_001322007.2); c.1715-10A>G (NM_001322010.2); c.1871-10A>G (NM_001322004.2, NM_001322003.2, NM_001322005.2); c.1703-10A>G (NM_001322013.2); c.1343-10A>G (NM_001322012.2, NM_001322011.2); c.1967-10A>G (NM_001322015.2); and 1 more; short protein forms I632V, I767V.
Identifiers: ClinVar variation 141832 (VCV000141832.40), dbSNP rs573900018, ClinGen allele CA011165.

ClinVar aggregate classification (germline): Conflicting classifications of pathogenicity. Review status: criteria provided, conflicting classifications (1 of 4 stars). 11 submissions from 11 submitters: Uncertain significance (1); Likely benign (9). 1 of the submissions does not count toward it. Last evaluated 2025-12-24.

Conditions:
Hereditary nonpolyposis colorectal neoplasms. Identifiers: MedGen C0009405, MeSH D003123.
Hereditary cancer-predisposing syndrome. Also called: Tumor predisposition; Hereditary neoplastic syndrome; Hereditary Cancer Syndrome; Neoplastic Syndromes, Hereditary. Identifiers: Orphanet 140162, MedGen C0027672, MeSH D009386, MONDO:0015356.
Lynch syndrome 4 (LYNCH4). Also called: Hereditary non-polyposis colorectal cancer, type 4; Colorectal cancer, hereditary nonpolyposis, type 4. Identifiers: Orphanet 144, MedGen C1838333, MONDO:0013699, OMIM 614337. Disease mechanism: loss of function.

Allele frequency attached by ClinVar (database versions not stated): gnomAD exomes 0.00005; ExAC 0.00007; gnomAD 0.00010 and 0.00011; 1000 Genomes Project 0.00040.

Submissions (11):

Labcorp Genetics (formerly Invitae), Labcorp
Classification: Likely benign for Hereditary nonpolyposis colorectal neoplasms. Last evaluated: 2025-12-24. Review status: criteria provided, single submitter. Criteria: Invitae Variant Classification Sherloc (09022015). Collection method: clinical testing. Allele origin: germline.

CeGaT Center for Human Genetics Tuebingen
Classification: Likely benign. Last evaluated: 2025-02-01. Review status: criteria provided, single submitter. Criteria: CeGaT Center For Human Genetics Tuebingen Variant Classification Criteria Version 2. Collection method: clinical testing. Allele origin: germline. Affected: yes. Observed: 1 variant allele.
Comment: PMS2: BP1, BP4, BS1

Myriad Genetics, Inc.
Classification: Likely benign for Lynch syndrome 4. Last evaluated: 2023-04-04. Review status: criteria provided, single submitter. Criteria: Myriad Autosomal Dominant, Autosomal Recessive and X-Linked Classification Criteria (2023). Collection method: clinical testing. Allele origin: unknown.
Comment: This variant is considered likely benign. This variant is intronic and is not expected to impact mRNA splicing.

Color Diagnostics, LLC DBA Color Health
Classification: Likely benign for Hereditary cancer-predisposing syndrome. Last evaluated: 2022-01-20. Review status: criteria provided, single submitter. Criteria: ACMG Guidelines, 2015. Collection method: clinical testing. Allele origin: germline.

Sema4
Classification: Likely benign for Hereditary cancer-predisposing syndrome. Last evaluated: 2022-01-13. Review status: criteria provided, single submitter. Criteria: Sema4 Curation Guidelines. Collection method: curation. Allele origin: germline.

Quest Diagnostics Nichols Institute San Juan Capistrano
Classification: Likely benign. Last evaluated: 2019-05-03. Review status: criteria provided, single submitter. Criteria: Quest Diagnostics criteria. Collection method: clinical testing. Allele origin: germline.

Women's Health and Genetics/Laboratory Corporation of America, LabCorp
Classification: Likely benign. Last evaluated: 2019-04-18. Review status: criteria provided, single submitter. Criteria: LabCorp Variant Classification Summary - May 2015. Collection method: clinical testing. Allele origin: germline.
Comment: Variant summary: PMS2 c.2276-10A>G alters a non-conserved nucleotide located close to a canonical splice site and therefore could affect mRNA splicing, leading to a significantly altered protein sequence. 5/5 computational tools predict no significant impact on normal splicing. However, these predictions have yet to be confirmed by functional studies. The variant allele was found at a frequency of 5.7e-05 in 279104 control chromosomes, predominantly at a frequency of 0.00053 within the African or African-American subpopulation in the gnomAD database. The observed variant frequency within African or African-American control individuals in the gnomAD database is approximately 5-folds over the estimated maximal expected allele frequency for a pathogenic variant in PMS2 causing Lynch Syndrome phenotype (0.00011), strongly suggesting that the variant is a benign polymorphism found primarily in populations of African or African-American origin. However, this observation needs to be cautiously considered due to the technology's inability to decipher between PMS2 and its pseudogene. To our knowledge, no occurrence of c.2276-10A>G in individuals affected with Lynch Syndrome and no experimental evidence demonstrating its impact on protein function have been reported. Four ClinVar submissions from clinical diagnostic laboratories (evaluation after 2014) cites the variant as likely benign. Based on the evidence outlined above, the variant was classified as likely benign.

Illumina Laboratory Services, Illumina
Classification: Uncertain significance for Lynch syndrome 4. Last evaluated: 2018-01-13. Review status: criteria provided, single submitter. Criteria: ICSL Variant Classification Criteria 13 December 2019. Collection method: clinical testing. Allele origin: germline.

GeneDx
Classification: Likely benign. Last evaluated: 2017-07-21. Review status: criteria provided, single submitter. Criteria: GeneDx Variant Classification (06012015). Collection method: clinical testing. Allele origin: germline. Affected: yes.
Comment: This variant is considered likely benign or benign based on one or more of the following criteria: it is a conservative change, it occurs at a poorly conserved position in the protein, it is predicted to be benign by multiple in silico algorithms, and/or has population frequency not consistent with disease.

Ambry Genetics
Classification: Likely benign for Hereditary cancer-predisposing syndrome. Last evaluated: 2014-11-20. Review status: criteria provided, single submitter. Criteria: Ambry Variant Classification Scheme 2023. Collection method: clinical testing. Allele origin: germline.

Counsyl
Classification: Likely benign for Lynch syndrome 4. Last evaluated: 2017-07-07. Review status: no assertion criteria provided. Collection method: clinical testing. Allele origin: unknown. Not counted in ClinVar's aggregate classification.